The following is an entry in ClinVar:

ClinVar aggregate classification (germline): Conflicting classifications of pathogenicity. Review status: criteria provided, conflicting classifications (1 of 4 stars). 17 submissions from 17 submitters: Uncertain significance (3); Benign (2); Likely benign (8). 4 of the submissions do not count toward it. Last evaluated 2026-01-26.

Conditions:
BRCA1-related cancer predisposition. Identifiers: MedGen CN377757, MONDO:0700268.
BRCA1-related disorder. Also called: BRCA1-related condition.
Hereditary cancer-predisposing syndrome. Also called: Tumor predisposition; Neoplastic Syndromes, Hereditary; Hereditary Cancer Syndrome; Hereditary neoplastic syndrome. Identifiers: Orphanet 140162, MedGen C0027672, MeSH D009386, MONDO:0015356.
Hereditary breast ovarian cancer syndrome. Also called: Hereditary breast and ovarian cancer syndrome (HBOC); Hereditary breast and ovarian cancer syndrome; Hereditary breast and ovarian cancer; Hereditary breast and/or ovarian cancer syndrome; Breast and ovarian cancer; BRCA1- and BRCA2-Associated Hereditary Breast and Ovarian Cancer. Identifiers: Orphanet 145, MedGen C0677776, MeSH D061325, MONDO:0003582. Disease mechanism: loss of function.
Breast-ovarian cancer, familial, susceptibility to, 1 (BROVCA1). Also called: OVARIAN CANCER, SUSCEPTIBILITY TO; BRCA1 Hereditary Breast and Ovarian Cancer. Identifiers: Orphanet 145, MedGen C2676676, MONDO:0011450, OMIM 604370. Disease mechanism: loss of function.

Allele frequency attached by ClinVar (database versions not stated): gnomAD exomes 0.00002 and 0.00004; ExAC 0.00005; gnomAD 0.00013 and 0.00014; ESP Exome Variant Server 0.00015; TOPMed 0.00017.
gnomAD v4.1: 51 of 1,613,534 alleles (0.0032%); highest among the groups gnomAD compares: African/African-American, 0.067%; no homozygotes.

Submissions (17):

Labcorp Genetics (formerly Invitae), Labcorp
Classification: Likely benign for Hereditary breast ovarian cancer syndrome. Last evaluated: 2026-01-26. Review status: criteria provided, single submitter. Criteria: Invitae Variant Classification Sherloc (09022015). Collection method: clinical testing. Allele origin: germline.

Mayo Clinic Laboratories, Mayo Clinic
Classification: Benign. Last evaluated: 2025-08-12. Review status: criteria provided, single submitter. Criteria: ACMG Guidelines, 2015. Collection method: clinical testing. Allele origin: germline. Observed: 2 variant alleles.
Comment: BS1, BP1_strong

Women's Health and Genetics/Laboratory Corporation of America, LabCorp
Classification: Likely benign. Last evaluated: 2025-08-04. Review status: criteria provided, single submitter. Criteria: LabCorp Variant Classification Summary - May 2015. Collection method: clinical testing. Allele origin: germline.
Comment: Variant summary: BRCA1 c.1561G>A (p.Ala521Thr) results in a non-conservative amino acid change in the encoded protein sequence. Algorithms developed to predict the effect of missense changes on protein structure and function are either unavailable or do not agree on the potential impact of this missense change. The variant allele was found at a frequency of 4.8e-05 in 250464 control chromosomes, predominantly at a frequency of 0.00068 within the African or African-American subpopulation in the gnomAD database. This frequency is not significantly higher than estimated for a pathogenic variant in BRCA1 causing Hereditary Breast And Ovarian Cancer Syndrome (4.8e-05 vs 0.001), allowing no conclusion about variant significance. c.1561G>A has been observed in individuals affected with Breast and/or Ovarian Cancer (Olopade_2003, Russo_2007, George_2021, Fanale_2024). These report(s) do not provide unequivocal conclusions about association of the variant with Hereditary Breast And Ovarian Cancer Syndrome. To our knowledge, no experimental evidence demonstrating an impact on protein function has been reported. The following publications have been ascertained in the context of this evaluation (PMID: 24728327, 38974244, 33646313, 25348012, 12491487, 15385441, 17221156). ClinVar contains an entry for this variant (Variation ID: 54291). Based on the evidence outlined above, the variant was classified as likely benign.

Dasa
Classification: Benign for Breast-ovarian cancer, familial, susceptibility to, 1. Last evaluated: 2025-05-02. Review status: criteria provided, single submitter. Criteria: DASA Assertion Criteria. Collection method: clinical testing. Allele origin: germline.
Comment: NM_007294.4(BRCA1):c.1561G>A (p.Ala521Thr) is a missense variant that results in the substitution of alanine with threonine. Population frequency is inconsistent with a disease-causing role for this variant, and the variant context is inconsistent with a known disease-causing mechanism. Therefore, based on the currently available evidence, this variant is classified as benign.

PreventionGenetics, part of Exact Sciences
Classification: Likely benign for BRCA1-related condition. Last evaluated: 2024-11-13. Review status: criteria provided, single submitter. Criteria: ACMG Guidelines, 2015. Collection method: clinical testing. Allele origin: germline.
Comment: This variant is classified as likely benign based on ACMG/AMP sequence variant interpretation guidelines (Richards et al. 2015 PMID: 25741868, with internal and published modifications).

Color Diagnostics, LLC DBA Color Health
Classification: Likely benign for Hereditary cancer-predisposing syndrome. Last evaluated: 2024-09-17. Review status: criteria provided, single submitter. Criteria: ACMG Guidelines, 2015. Collection method: clinical testing. Allele origin: germline.

All of Us Research Program, National Institutes of Health
Classification: Likely benign for BRCA1-related cancer predisposition. Last evaluated: 2024-08-06. Review status: criteria provided, single submitter. Criteria: ACMG Guidelines, 2015. Collection method: clinical testing. Allele origin: germline. Inheritance: Autosomal dominant inheritance. Observed: 21 variant alleles, 21 heterozygotes.
Comment: This study involves interpretation of variants in research participants for the purpose of population health screening. Participant phenotype was not available at the time of variant classification. Additional details can be found in publication PMID: 35346344, PMCID: PMC8962531

University of Washington Department of Laboratory Medicine, University of Washington
Classification: Likely benign for Hereditary cancer-predisposing syndrome. Last evaluated: 2023-03-23. Review status: criteria provided, single submitter. Criteria: Dines et al. (Genet Med. 2020). Collection method: curation. Allele origin: germline.
Comment: Missense variant in a coldspot region where missense variants are very unlikely to be pathogenic (PMID:31911673).

BRCA1 coldspot (exon 11 using historical exon numbering). Reclassification based on statistical prior probability

GeneDx
Classification: Likely benign. Last evaluated: 2021-01-04. Review status: criteria provided, single submitter. Criteria: GeneDx Variant Classification Process June 2021. Collection method: clinical testing. Allele origin: germline. Affected: yes.
Comment: In silico analysis, which includes protein predictors and evolutionary conservation, supports that this variant does not alter protein structure/function; Observed in individuals with personal and/or family history of breast and/or ovarian cancer (Olopade 2003, Russo 2007); This variant is associated with the following publications: (PMID: 24728327, 12491487, 17221156, 25348012, 15385441, 28873162, 10923033)

Genetic Services Laboratory, University of Chicago
Classification: Uncertain significance. Last evaluated: 2019-11-08. Review status: criteria provided, single submitter. Criteria: ACMG Guidelines, 2015. Collection method: clinical testing. Allele origin: germline. Affected: no.

Division of Medical Genetics, University of Washington
Classification: Uncertain significance for Breast-ovarian cancer, familial, susceptibility to, 1. Last evaluated: 2019-02-19. Review status: criteria provided, single submitter. Criteria: ACMG Guidelines, 2015. Collection method: clinical testing. Allele origin: germline. Affected: no. Study: CSER_CHARM.
Comment: This variant has been reported in individuals with breast cancer and ovarian cancer (Olopade 2003, Russo 2007), as well as healthy individuals of African ancestry (Bodian 2014). The c.1561G>A variant has an overall allele frequency of 0.00005 in the Genome Aggregation Database. Thus, it is unknown at this time whether this variant increases cancer risk.

Ambry Genetics
Classification: Likely benign for Hereditary cancer-predisposing syndrome. Last evaluated: 2018-10-29. Review status: criteria provided, single submitter. Criteria: Ambry Variant Classification Scheme 2023. Collection method: clinical testing. Allele origin: germline.

Quest Diagnostics Nichols Institute San Juan Capistrano
Classification: Uncertain significance. Last evaluated: 2016-08-24. Review status: criteria provided, single submitter. Criteria: Quest Diagnostics criteria. Collection method: clinical testing. Allele origin: germline.

Counsyl
Classification: Uncertain significance for Breast-ovarian cancer, familial, susceptibility to, 1. Last evaluated: 2016-02-19. Review status: no assertion criteria provided. Collection method: clinical testing. Allele origin: unknown. Not counted in ClinVar's aggregate classification.

ITMI
No classification provided. Condition: AllHighlyPenetrant. Last evaluated: 2013-09-19. Review status: no classification provided. Collection method: reference population. Allele origin: germline. Not counted in ClinVar's aggregate classification.
Comment: Please see associated publication for description of ethnicities

Breast Cancer Information Core (BIC) (BRCA1)
Classification: Uncertain significance for Breast-ovarian cancer, familial 1. Last evaluated: 2002-05-29. Review status: no assertion criteria provided. Collection method: clinical testing. Allele origin: germline. Affected: yes. Observed: 2 variant alleles. Not counted in ClinVar's aggregate classification.

Department of Pathology and Laboratory Medicine, Sinai Health System
Classification: Uncertain significance. Review status: no assertion criteria provided. Collection method: clinical testing. Allele origin: unknown. Affected: yes. Observed: 7 variant alleles. Study: The Canadian Open Genetics Repository (COGR). Not counted in ClinVar's aggregate classification.

Literature cited by the submitters: PubMed 15385441 (cited by Women's Health and Genetics/Laboratory Corporation of America, LabCorp and Counsyl); PubMed 12491487 (cited by Women's Health and Genetics/Laboratory Corporation of America, LabCorp and Quest Diagnostics Nichols Institute San Juan Capistrano); PubMed 24728327 (cited by 4 submitters); PubMed 25348012 (cited by Women's Health and Genetics/Laboratory Corporation of America, LabCorp and Counsyl); PubMed 17221156 (cited by 3 submitters); PubMed 33646313 (cited by Women's Health and Genetics/Laboratory Corporation of America, LabCorp); PubMed 38974244 (cited by Women's Health and Genetics/Laboratory Corporation of America, LabCorp).

NM_007294.4(BRCA1):c.1561G>A (p.Ala521Thr)

Gene: BRCA1 (BRCA1 DNA repair associated; minus strand). Cytogenetic location: 17q21.31.
Variant type: single nucleotide variant.
Coding change: c.1561G>A on transcript NM_007294.4 (MANE Select); coding-DNA position 1561, G replaced by A.
Protein change: p.Ala521Thr; replaces alanine 521 with threonine.
Molecular consequence: missense variant. On other transcripts: intron variant (137).
Genome position (GRCh38, 1-based): chr17:43,093,970, C>T on the plus strand (G>A on the coding strand, the complement: BRCA1 is on the minus strand). VCF-style: chr17-43093970-C-T. GRCh37 (hg19) VCF-style: chr17-41245987-C-T.
Other names: p.A521T:GCA>ACA; c.1348G>A, p.Ala450Thr (NM_001407571.1, NM_001407853.1, NM_001407894.1 and 9 more transcripts); c.1561G>A, p.Ala521Thr (NM_001407581.1, NM_001407582.1, NM_001407583.1 and 30 more transcripts); c.1558G>A, p.Ala520Thr (NM_001407587.1, NM_001407590.1, NM_001407591.1 and 22 more transcripts); c.1552G>A, p.Ala518Thr (NM_001407646.1, NM_001407647.1); c.1438G>A, p.Ala480Thr (NM_001407648.1, NM_001407664.1, NM_001407665.1 and 19 more transcripts); c.1435G>A, p.Ala479Thr (NM_001407649.1, NM_001407670.1, NM_001407671.1 and 11 more transcripts); c.1483G>A, p.Ala495Thr (NM_001407653.1, NM_001407654.1, NM_001407655.1 and 4 more transcripts); and 41 more; short protein forms A521T, A474T, A225T, A393T, A454T, A473T, A353T, A410T.
Identifiers: ClinVar variation 54291 (VCV000054291.48), dbSNP rs80357122, ClinGen allele CA001046.
Genomic context (GRCh38, chr17:43,093,970, plus strand): 5'-GCTCCGTTTGGTTAGTTCCCTGATTTATCATTTCAGGAGTCTTTTGAACTGCCAAATCTG[C>T]TTTCTTGATAAAATCCTCAGGATGAAGGCCTGATGTAGGTCTCCTTTTACGCTTTAATTT-3'
Protein context (NP_009225.1, residues 511-531): GLHPEDFIKK[Ala521Thr]DLAVQKTPEM